The following is an entry in ClinVar:

NM_052989.3(IFT122):c.2999T>G (p.Phe1000Cys)

Gene: IFT122 (intraflagellar transport 122; plus strand). Cytogenetic location: 3q22.1.
Variant type: single nucleotide variant.
Coding change: c.2999T>G on transcript NM_052989.3 (MANE Select); coding-DNA position 2999, T replaced by G.
Protein change: p.Phe1000Cys; replaces phenylalanine 1000 with cysteine.
Molecular consequence: missense variant.
Genome position (GRCh38, 1-based): chr3:129,514,400, T>G. VCF-style: chr3-129514400-T-G. GRCh37 (hg19) VCF-style: chr3-129233243-T-G.
Other names: c.2825T>G, p.Phe942Cys (NM_001410810.1); c.2771T>G, p.Phe924Cys (NM_001410811.1); c.2768T>G, p.Phe923Cys (NM_001410813.1); c.2666T>G, p.Phe889Cys (NM_001410815.1); c.2615T>G, p.Phe872Cys (NM_001410817.1); c.2822T>G, p.Phe941Cys (NM_018262.4); c.3152T>G, p.Phe1051Cys (NM_052985.4); c.2669T>G, p.Phe890Cys (NM_052990.3); and 6 more; short protein forms F941C, F889C, F982C, F1000C, F1051C, F850C, F890C, F993C.
Identifiers: ClinVar variation 2043589 (VCV002043589.5), dbSNP rs751910107, ClinGen allele CA82634177.

ClinVar aggregate classification (germline): Uncertain significance. Review status: criteria provided, multiple submitters, no conflicts (2 of 4 stars). 2 submissions from 2 submitters: Uncertain significance (2). Last evaluated 2025-04-13.

Conditions:
Cranioectodermal dysplasia 1 (CED1). Also called: LEVIN SYNDROME I. Identifiers: Orphanet 1515, MedGen C0432235, MONDO:0021093, OMIM 218330.
Inborn genetic diseases. Identifiers: MedGen C0950123, MeSH D030342.

Submissions (2):

Ambry Genetics
Classification: Uncertain significance for Inborn genetic diseases. Last evaluated: 2025-04-13. Review status: criteria provided, single submitter. Criteria: Ambry Variant Classification Scheme 2023. Collection method: clinical testing. Allele origin: germline.

Labcorp Genetics (formerly Invitae), Labcorp
Classification: Uncertain significance for Cranioectodermal dysplasia 1. Last evaluated: 2022-03-15. Review status: criteria provided, single submitter. Criteria: Invitae Variant Classification Sherloc (09022015). Collection method: clinical testing. Allele origin: germline.
Comment: This sequence change replaces phenylalanine, which is neutral and non-polar, with cysteine, which is neutral and slightly polar, at codon 1051 of the IFT122 protein (p.Phe1051Cys). This variant is not present in population databases (gnomAD no frequency). This variant has not been reported in the literature in individuals affected with IFT122-related conditions. Algorithms developed to predict the effect of missense changes on protein structure and function (SIFT, PolyPhen-2, Align-GVGD) all suggest that this variant is likely to be disruptive. In summary, the available evidence is currently insufficient to determine the role of this variant in disease. Therefore, it has been classified as a Variant of Uncertain Significance.